The following is an entry in ClinVar:

ClinVar aggregate classification (germline): Conflicting classifications of pathogenicity. Review status: criteria provided, conflicting classifications (1 of 4 stars). 3 submissions from 3 submitters: Uncertain significance (2); Likely benign (1). Last evaluated 2026-01-31.

Conditions:
Hereditary cancer-predisposing syndrome. Also called: Tumor predisposition; Neoplastic Syndromes, Hereditary; Hereditary Cancer Syndrome; Hereditary neoplastic syndrome. Identifiers: Orphanet 140162, MedGen C0027672, MeSH D009386, MONDO:0015356.

Allele frequency attached by ClinVar (database versions not stated): gnomAD 0.00001; TOPMed 0.00002.
gnomAD v4.1: 8 of 1,584,398 alleles (0.0005%); highest among the groups gnomAD compares: Non-Finnish European, 0.00069%; no homozygotes.

Submissions (3):

Labcorp Genetics (formerly Invitae), Labcorp
Classification: Likely benign. Last evaluated: 2026-01-31. Review status: criteria provided, single submitter. Criteria: Invitae Variant Classification Sherloc (09022015). Collection method: clinical testing. Allele origin: germline.

Ambry Genetics
Classification: Uncertain significance for Hereditary cancer-predisposing syndrome. Last evaluated: 2025-09-17. Review status: criteria provided, single submitter. Criteria: Ambry Variant Classification Scheme 2023. Collection method: clinical testing. Allele origin: germline.
Comment: The c.1028-5A>T intronic variant results from an A to T substitution 5 nucleotides upstream from coding exon 7 in the MSH3 gene. This nucleotide position is not well conserved in available vertebrate species. In silico splice site analysis predicts that this alteration may result in the creation or strengthening of a novel splice acceptor site. Since supporting evidence is limited at this time, the clinical significance of this alteration remains unclear.

GeneDx
Classification: Uncertain significance. Last evaluated: 2022-11-14. Review status: criteria provided, single submitter. Criteria: GeneDx Variant Classification Process June 2021. Collection method: clinical testing. Allele origin: germline. Affected: yes.
Comment: Not observed at significant frequency in large population cohorts (gnomAD); Has not been previously published as pathogenic or benign to our knowledge; In silico analysis suggests this variant may impact gene splicing. In the absence of RNA/functional studies, the actual effect of this sequence change is unknown

NM_002439.5(MSH3):c.1028-5A>T

Gene: MSH3 (mutS homolog 3; plus strand). Cytogenetic location: 5q14.1.
Variant type: single nucleotide variant.
Coding change: c.1028-5A>T on transcript NM_002439.5 (MANE Select); 5 bases into the intron before coding-DNA position 1028, A replaced by T.
Molecular consequence: intron variant.
Genome position (GRCh38, 1-based): chr5:80,674,978, A>T. VCF-style: chr5-80674978-A-T. GRCh37 (hg19) VCF-style: chr5-79970797-A-T.
Identifiers: ClinVar variation 764111 (VCV000764111.15), dbSNP rs774961818, ClinGen allele CA3327781.